The following is an entry in ClinVar:

NM_002582.4(PARN):c.1754A>C (p.Glu585Ala)

Gene: PARN (poly(A)-specific ribonuclease; minus strand). Cytogenetic location: 16p13.12.
Variant type: single nucleotide variant.
Coding change: c.1754A>C on transcript NM_002582.4 (MANE Select); coding-DNA position 1754, A replaced by C.
Protein change: p.Glu585Ala; replaces glutamic acid 585 with alanine.
Molecular consequence: missense variant.
Genome position (GRCh38, 1-based): chr16:14,446,998, T>G on the plus strand (A>C on the coding strand, the complement: PARN is on the minus strand). VCF-style: chr16-14446998-T-G. GRCh37 (hg19) VCF-style: chr16-14540855-T-G.
Other names: c.1571A>C, p.Glu524Ala (NM_001134477.3); c.1616A>C, p.Glu539Ala (NM_001242992.2); short protein forms E524A, E539A, E585A.
Identifiers: ClinVar variation 1337944 (VCV001337944.4), dbSNP rs1961230346, ClinGen allele CA395184445.

ClinVar aggregate classification (germline): Uncertain significance (1 of 4 stars; one submission).

Allele frequency attached by ClinVar (database versions not stated): gnomAD 0.00001.
gnomAD v4.1: 1 of 1,612,964 alleles (0.000062%); highest among the groups gnomAD compares: African/African-American, 0.0013%; no homozygotes.

Submission:

Genetic Services Laboratory, University of Chicago
Classification: Uncertain significance. Last evaluated: 2021-05-24. Review status: criteria provided, single submitter. Criteria: ACMG Guidelines, 2015. Collection method: clinical testing. Allele origin: germline. Affected: no.
Comment: DNA sequence analysis of the PARN gene demonstrated a sequence change, c.1754A>C, in exon 23 that results in an amino acid change, p.Glu585Ala. This sequence change is absent from known population databases (gnomAD). The p.Glu585Ala change affects a poorly conserved amino acid residue located in a domain of the PARN protein that is not known to be functional. The p.Glu585Ala substitution appears to tolerated using several in-silico pathogenicity prediction tools (SIFT, PolyPhen2, Align GVGD, REVEL). This sequence change does not appear to have been previously described in patients with PARN-related disorders. Due to the lack of sufficient evidences, the clinical significance of the p.Glu585Ala change remains unknown at this time.